The following is an entry in ClinVar:

ClinVar aggregate classification (germline): Uncertain significance (1 of 4 stars; one submission).

Allele frequency attached by ClinVar (database versions not stated): gnomAD exomes 0.00001.
gnomAD v4.1: 6 of 1,614,130 alleles (0.00037%); highest among the groups gnomAD compares: Non-Finnish European, 0.00051%; no homozygotes.

Submission:

Labcorp Genetics (formerly Invitae), Labcorp
Classification: Uncertain significance. Last evaluated: 2022-02-20. Review status: criteria provided, single submitter. Criteria: Invitae Variant Classification Sherloc (09022015). Collection method: clinical testing. Allele origin: germline.
Comment: This sequence change replaces cysteine, which is neutral and slightly polar, with tyrosine, which is neutral and polar, at codon 272 of the BMPER protein (p.Cys272Tyr). This variant is not present in population databases (gnomAD no frequency). This variant has not been reported in the literature in individuals affected with BMPER-related conditions. Algorithms developed to predict the effect of missense changes on protein structure and function are either unavailable or do not agree on the potential impact of this missense change (SIFT: "Deleterious"; PolyPhen-2: "Possibly Damaging"; Align-GVGD: "Class C0"). In summary, the available evidence is currently insufficient to determine the role of this variant in disease. Therefore, it has been classified as a Variant of Uncertain Significance.

NM_001365308.1(BMPER):c.815G>A (p.Cys272Tyr)

Gene: BMPER (BMP binding endothelial regulator; plus strand). Cytogenetic location: 7p14.3.
Variant type: single nucleotide variant.
Coding change: c.815G>A on transcript NM_001365308.1 (MANE Select); coding-DNA position 815, G replaced by A.
Protein change: p.Cys272Tyr; replaces cysteine 272 with tyrosine.
Molecular consequence: missense variant.
Genome position (GRCh38, 1-based): chr7:34,055,191, G>A. VCF-style: chr7-34055191-G-A. GRCh37 (hg19) VCF-style: chr7-34094803-G-A.
Other names: c.815G>A, p.Cys272Tyr (NM_001410872.1, NM_133468.5); short protein forms C272Y.
Identifiers: ClinVar variation 2100587 (VCV002100587.1), dbSNP rs2534293693, ClinGen allele CA367257744.